The following is an entry in ClinVar:

ClinVar aggregate classification (germline): Uncertain significance (1 of 4 stars; one submission).

Conditions:
Dilated cardiomyopathy 1II (CMD1II). Identifiers: Orphanet 154, MedGen C3554649, MONDO:0014073, OMIM 615184.

Submission:

Labcorp Genetics (formerly Invitae), Labcorp
Classification: Uncertain significance for Dilated cardiomyopathy 1II. Last evaluated: 2025-12-21. Review status: criteria provided, single submitter. Criteria: Invitae Variant Classification Sherloc (09022015). Collection method: clinical testing. Allele origin: germline.
Comment: This sequence change creates a premature translational stop signal (p.Thr134Asnfs*8) in the CRYAB gene. While this is not anticipated to result in nonsense mediated decay, it is expected to disrupt the last 42 amino acid(s) of the CRYAB protein. This variant is not present in population databases (gnomAD no frequency). This variant has not been reported in the literature in individuals affected with CRYAB-related conditions. Experimental studies and prediction algorithms are not available or were not evaluated, and the functional significance of this variant is currently unknown. Algorithms developed to predict the effect of sequence changes on RNA splicing suggest that this variant may disrupt the consensus splice site. In summary, the available evidence is currently insufficient to determine the role of this variant in disease. Therefore, it has been classified as a Variant of Uncertain Significance.

NM_001289808.2(CRYAB):c.397_400dup (p.Thr134fs)

Gene: CRYAB (crystallin alpha B; minus strand). Cytogenetic location: 11q23.1.
Variant type: Duplication.
Coding change: c.397_400dup on transcript NM_001289808.2 (MANE Select); coding-DNA positions 397 to 400, 4 bases duplicated (ATTA; older notation c.397_400dupATTA).
Protein change: p.Thr134fs; shifts the reading frame from threonine 134.
Molecular consequence: frameshift variant.
Genome position (GRCh38, 1-based): chr11:111,908,892-111,908,895, TAAT duplicated on the plus strand (ATTA on the coding strand, the reverse complement: CRYAB is on the minus strand). VCF-style (leftmost placement, unchanged base first): chr11-111908891-G-GTAAT. GRCh37 (hg19) VCF-style: chr11-111779615-G-GTAAT.
Other names: c.397_400dup, p.Thr134fs (NM_001289807.1, NM_001368245.1, NM_001885.3); c.196_199dup, p.Thr67fs (NM_001330379.1, NM_001368246.1); short protein forms T134fs, T67fs.
Identifiers: ClinVar variation 4807478 (VCV004807478.1).
Genomic context (GRCh38, chr11:111,908,891, plus strand): 5'-CCAGAGACCTGTTTCCTTGGTCCATTCACAGTGAGGACCCCATCAGATGACAGGGATGAA[G>GTAAT]TAATGGTGAGAGGGTCTACATCAGCTGGGATCCGGTATTTCCTGTGGAACTCCCTGGAGA-3'